The following is an entry in ClinVar:

ClinVar aggregate classification (germline): Uncertain significance (1 of 4 stars; one submission).

Conditions:
Early-infantile DEE. Also called: Ohtahara syndrome; Early infantile epileptic encephalopathy; Early infantile epileptic encephalopathy with suppression bursts. Identifiers: Orphanet 1934, MedGen C0393706, MONDO:0800491.

Allele frequency attached by ClinVar (database versions not stated): gnomAD exomes below 0.00001 and 0.00001; TOPMed below 0.00001; gnomAD 0.00004.
gnomAD v4.1: 24 of 1,551,088 alleles (0.0015%); highest among the groups gnomAD compares: East Asian, 0.0023%; no homozygotes.

Submission:

Labcorp Genetics (formerly Invitae), Labcorp
Classification: Uncertain significance for Early-infantile DEE. Last evaluated: 2021-09-09. Review status: criteria provided, single submitter. Criteria: Invitae Variant Classification Sherloc (09022015). Collection method: clinical testing. Allele origin: germline.
Comment: In summary, the available evidence is currently insufficient to determine the role of this variant in disease. Therefore, it has been classified as a Variant of Uncertain Significance. Variants that disrupt the consensus splice site are a relatively common cause of aberrant splicing (PMID: 17576681, 9536098). Algorithms developed to predict the effect of sequence changes on RNA splicing suggest that this variant is not likely to affect RNA splicing. This variant has not been reported in the literature in individuals affected with ARHGEF15-related conditions. This variant is not present in population databases (ExAC no frequency). This sequence change falls in intron 15 of the ARHGEF15 gene. It does not directly change the encoded amino acid sequence of the ARHGEF15 protein. It affects a nucleotide within the consensus splice site of the intron.

Literature cited by the submitters: PubMed 17576681; PubMed 9536098.

NM_173728.4(ARHGEF15):c.2374+3G>A

Gene: ARHGEF15 (Rho guanine nucleotide exchange factor 15; plus strand). Cytogenetic location: 17p13.1.
Variant type: single nucleotide variant.
Coding change: c.2374+3G>A on transcript NM_173728.4 (MANE Select); 3 bases into the intron after coding-DNA position 2374, G replaced by A.
Molecular consequence: intron variant.
Genome position (GRCh38, 1-based): chr17:8,319,606, G>A. VCF-style: chr17-8319606-G-A. GRCh37 (hg19) VCF-style: chr17-8222924-G-A.
Other names: c.2374+3G>A (NM_025014.2).
Identifiers: ClinVar variation 1382861 (VCV001382861.7), dbSNP rs970612446, ClinGen allele CA287572610.